The following is an entry in ClinVar:

ClinVar aggregate classification (germline): Uncertain significance. Review status: criteria provided, multiple submitters, no conflicts (2 of 4 stars). 6 submissions from 6 submitters: Uncertain significance (6). Last evaluated 2025-07-28.

Conditions:
IFIH1-related disorder. Also called: IFIH1-related condition.
Aicardi-Goutieres syndrome 7 (AGS7). Identifiers: Orphanet 51, MedGen C3888244, MONDO:0014367, OMIM 615846.
Singleton-Merten syndrome 1 (SGMRT1). Also called: Widened medullary cavities of bone, aortic calcification, abnormal dentition, and muscular weakness; Syndrome of widened medullary cavities of the metacarpals and phalanges, aortic calcification and abnormal dentition. Identifiers: Orphanet 85191, MedGen C4225427, MONDO:0024535, OMIM 182250.
Inborn genetic diseases. Identifiers: MedGen C0950123, MeSH D030342.

Allele frequency attached by ClinVar (database versions not stated): gnomAD exomes below 0.00001 and 0.00002; ExAC 0.00001; TOPMed below 0.00001; gnomAD 0.00003.

Submissions (6):

Labcorp Genetics (formerly Invitae), Labcorp
Classification: Uncertain significance for Aicardi-Goutieres syndrome 7; Singleton-Merten syndrome 1. Last evaluated: 2025-07-28. Review status: criteria provided, single submitter. Criteria: Invitae Variant Classification Sherloc (09022015). Collection method: clinical testing. Allele origin: germline.
Comment: This sequence change replaces glycine, which is neutral and non-polar, with glutamic acid, which is acidic and polar, at codon 389 of the IFIH1 protein (p.Gly389Glu). This variant is present in population databases (rs765985079, gnomAD 0.002%). This variant has not been reported in the literature in individuals affected with IFIH1-related conditions. ClinVar contains an entry for this variant (Variation ID: 291088). Invitae Evidence Modeling incorporating data from in vitro experimental studies (internal data) indicates that this missense variant is not expected to disrupt IFIH1 function with a negative predictive value of 80%. In summary, the available evidence is currently insufficient to determine the role of this variant in disease. Therefore, it has been classified as a Variant of Uncertain Significance.

Ambry Genetics
Classification: Uncertain significance for Inborn genetic diseases. Last evaluated: 2025-04-01. Review status: criteria provided, single submitter. Criteria: Ambry Variant Classification Scheme 2023. Collection method: clinical testing. Allele origin: germline.

GeneDx
Classification: Uncertain significance. Last evaluated: 2024-11-12. Review status: criteria provided, single submitter. Criteria: GeneDx Variant Classification Process June 2021. Collection method: clinical testing. Allele origin: germline. Affected: yes.
Comment: In silico analysis indicates that this missense variant does not alter protein structure/function; Has not been previously published as pathogenic or benign to our knowledge; This variant is associated with the following publications: (PMID: 31898846, 33307271)

PreventionGenetics, part of Exact Sciences
Classification: Uncertain significance for IFIH1-related condition. Last evaluated: 2022-08-30. Review status: criteria provided, single submitter. Criteria: ACMG Guidelines, 2015. Collection method: clinical testing. Allele origin: germline.
Comment: The IFIH1 c.1166G>A variant is predicted to result in the amino acid substitution p.Gly389Glu. To our knowledge, this variant has not been reported in the literature. This variant is reported in 0.0016% of alleles in individuals of European (Non-Finnish) descent in gnomAD. At this time, the clinical significance of this variant is uncertain due to the absence of conclusive functional and genetic evidence.

Fulgent Genetics
Classification: Uncertain significance for Singleton-Merten syndrome 1; Aicardi-Goutieres syndrome 7. Last evaluated: 2018-10-31. Review status: criteria provided, single submitter. Criteria: ACMG Guidelines, 2015. Collection method: clinical testing. Allele origin: unknown.

Eurofins Ntd Llc (ga)
Classification: Uncertain significance. Last evaluated: 2016-09-05. Review status: criteria provided, single submitter. Criteria: EGL Classification Definitions 2015. Collection method: clinical testing. Allele origin: germline. Observed: 1 variant allele, 1 heterozygote.

NM_022168.4(IFIH1):c.1166G>A (p.Gly389Glu)

Gene: IFIH1 (interferon induced with helicase C domain 1; minus strand). Cytogenetic location: 2q24.2.
Variant type: single nucleotide variant.
Coding change: c.1166G>A on transcript NM_022168.4 (MANE Select); coding-DNA position 1166, G replaced by A.
Protein change: p.Gly389Glu; replaces glycine 389 with glutamic acid.
Molecular consequence: missense variant.
Genome position (GRCh38, 1-based): chr2:162,282,506, C>T on the plus strand (G>A on the coding strand, the complement: IFIH1 is on the minus strand). VCF-style: chr2-162282506-C-T. GRCh37 (hg19) VCF-style: chr2-163139016-C-T.
Other names: c.1166G>A, p.Gly389Glu (LRG_1235t1); c.1166G>A (NM_022168.2); short protein forms G389E.
Identifiers: ClinVar variation 291088 (VCV000291088.20), dbSNP rs765985079, ClinGen allele CA1934597.